The following is an entry in ClinVar:

ClinVar aggregate classification (germline): Uncertain significance (1 of 4 stars; one submission).

Conditions:
Cardiovascular phenotype. Identifiers: MedGen CN230736.

Submission:

Ambry Genetics
Classification: Uncertain significance for Cardiovascular phenotype. Last evaluated: 2024-10-22. Review status: criteria provided, single submitter. Criteria: Ambry Variant Classification Scheme 2023. Collection method: clinical testing. Allele origin: germline.
Comment: The p.E182D variant (also known as c.546A>C), located in coding exon 6 of the CACNB2 gene, results from an A to C substitution at nucleotide position 546. The glutamic acid at codon 182 is replaced by aspartic acid, an amino acid with highly similar properties. This amino acid position is conserved. In addition, this alteration is predicted to be tolerated by in silico analysis. Based on the available evidence, the clinical significance of this variant remains unclear.

NM_201596.3(CACNB2):c.708A>C (p.Glu236Asp)

Gene: CACNB2 (calcium voltage-gated channel auxiliary subunit beta 2; plus strand). Cytogenetic location: 10p12.31.
Variant type: single nucleotide variant.
Coding change: c.708A>C on transcript NM_201596.3 (MANE Select); coding-DNA position 708, A replaced by C.
Protein change: p.Glu236Asp; replaces glutamic acid 236 with aspartic acid.
Molecular consequence: missense variant. On other transcripts: intron variant (6).
Genome position (GRCh38, 1-based): chr10:18,514,273, A>C. VCF-style: chr10-18514273-A-C. GRCh37 (hg19) VCF-style: chr10-18803202-A-C.
Other names: c.543A>C, p.Glu181Asp (NM_000724.4); c.564A>C, p.Glu188Asp (NM_201570.3); c.624A>C, p.Glu208Asp (NM_201571.4); c.546A>C, p.Glu182Asp (NM_201590.3); c.587-238A>C (NM_001167945.2); c.587-707A>C (NM_201572.4); c.671-238A>C (NM_201593.3); c.671-707A>C (NM_201597.3); and 2 more; short protein forms E182D, E236D, E208D, E181D, E188D.
Identifiers: ClinVar variation 3484169 (VCV003484169.1).